The following is an entry in ClinVar:

ClinVar aggregate classification (germline): Uncertain significance. Review status: criteria provided, multiple submitters, no conflicts (2 of 4 stars). 2 submissions from 2 submitters: Uncertain significance (2). Last evaluated 2024-10-22.

Conditions:
Inborn genetic diseases. Identifiers: MedGen C0950123, MeSH D030342.

gnomAD v4.1: 22 of 1,613,304 alleles (0.0014%); highest among the groups gnomAD compares: East Asian, 0.0045%; no homozygotes.

Submissions (2):

Labcorp Genetics (formerly Invitae), Labcorp
Classification: Uncertain significance. Last evaluated: 2024-10-22. Review status: criteria provided, single submitter. Criteria: Invitae Variant Classification Sherloc (09022015). Collection method: clinical testing. Allele origin: germline.
Comment: This sequence change replaces glutamic acid, which is acidic and polar, with lysine, which is basic and polar, at codon 711 of the TCIRG1 protein (p.Glu711Lys). This variant is present in population databases (rs746227782, gnomAD 0.01%). This variant has not been reported in the literature in individuals affected with TCIRG1-related conditions. Invitae Evidence Modeling of protein sequence and biophysical properties (such as structural, functional, and spatial information, amino acid conservation, physicochemical variation, residue mobility, and thermodynamic stability) indicates that this missense variant is expected to disrupt TCIRG1 protein function with a positive predictive value of 80%. In summary, the available evidence is currently insufficient to determine the role of this variant in disease. Therefore, it has been classified as a Variant of Uncertain Significance.

Ambry Genetics
Classification: Uncertain significance for Inborn genetic diseases. Last evaluated: 2024-05-15. Review status: criteria provided, single submitter. Criteria: Ambry Variant Classification Scheme 2023. Collection method: clinical testing. Allele origin: germline.

NM_006019.4(TCIRG1):c.2131G>A (p.Glu711Lys)

Gene: TCIRG1 (T cell immune regulator 1, ATPase H+ transporting V0 subunit a3; plus strand). Cytogenetic location: 11q13.2.
Variant type: single nucleotide variant.
Coding change: c.2131G>A on transcript NM_006019.4 (MANE Select); coding-DNA position 2131, G replaced by A.
Protein change: p.Glu711Lys; replaces glutamic acid 711 with lysine.
Molecular consequence: missense variant.
Genome position (GRCh38, 1-based): chr11:68,050,149, G>A. VCF-style: chr11-68050149-G-A. GRCh37 (hg19) VCF-style: chr11-67817616-G-A.
Other names: c.1237G>A, p.Glu413Lys (NM_001351059.2); c.1483G>A, p.Glu495Lys (NM_006053.4); short protein forms E495K, E413K, E711K.
Identifiers: ClinVar variation 3325022 (VCV003325022.3).